The following is an entry in ClinVar:

ClinVar aggregate classification (germline): Pathogenic (1 of 4 stars; one submission).

Submission:

Labcorp Genetics (formerly Invitae), Labcorp
Classification: Pathogenic. Last evaluated: 2023-03-29. Review status: criteria provided, single submitter. Criteria: Invitae Variant Classification Sherloc (09022015). Collection method: clinical testing. Allele origin: germline.
Comment: For these reasons, this variant has been classified as Pathogenic. This variant has not been reported in the literature in individuals affected with PAX3-related conditions. This variant is not present in population databases (gnomAD no frequency). This sequence change creates a premature translational stop signal (p.Ser205*) in the PAX3 gene. It is expected to result in an absent or disrupted protein product. Loss-of-function variants in PAX3 are known to be pathogenic (PMID: 20127975, 23512835).

Literature cited by the submitters: PubMed 20127975; PubMed 23512835.

NM_181458.4(PAX3):c.614_615del (p.Gly204_Ser205insTer)

Gene: PAX3 (paired box 3; minus strand). Cytogenetic location: 2q36.1.
Variant type: Microsatellite.
Coding change: c.614_615del on transcript NM_181458.4 (MANE Select); coding-DNA positions 614 to 615, 2 bases deleted (CT; older notation c.614_615delCT).
Protein change: p.Gly204_Ser205insTer.
Molecular consequence: nonsense.
Genome position (GRCh38, 1-based): chr2:222,232,255-222,232,256, AG deleted on the plus strand (CT on the coding strand, the reverse complement: PAX3 is on the minus strand); deleting any 2 consecutive bases within chr2:222,232,255-222,232,258 gives the same sequence; the c. name uses the placement nearest the transcript's 3' end. VCF-style (leftmost placement, unchanged base first): chr2-222232254-CAG-C. GRCh37 (hg19) VCF-style: chr2-223096973-CAG-C.
Other names: c.611_612del, p.Gly203_Ser204insTer (NM_001127366.3); c.614_615del, p.Gly204_Ser205insTer (NM_181457.4, NM_181459.4, NM_181460.4 and 1 more transcripts).
Identifiers: ClinVar variation 2850743 (VCV002850743.3), dbSNP rs2469286358, ClinGen allele CA2739278468.